The following is an entry in ClinVar:

NM_004544.4(NDUFA10):c.76-9G>A

Gene: NDUFA10 (NADH:ubiquinone oxidoreductase subunit A10; minus strand). Cytogenetic location: 2q37.3.
Variant type: single nucleotide variant.
Coding change: c.76-9G>A on transcript NM_004544.4 (MANE Select); 9 bases into the intron before coding-DNA position 76, G replaced by A.
Molecular consequence: intron variant.
Genome position (GRCh38, 1-based): chr2:240,022,349, C>T on the plus strand (G>A on the coding strand, the complement: NDUFA10 is on the minus strand). VCF-style: chr2-240022349-C-T. GRCh37 (hg19) VCF-style: chr2-240961766-C-T.
Other names: c.76-9G>A (NM_001322020.2, NM_001322019.2).
Identifiers: ClinVar variation 668486 (VCV000668486.2), dbSNP rs751528462, ClinGen allele CA2201152.

ClinVar aggregate classification (germline): Likely benign. Review status: criteria provided, multiple submitters, no conflicts (2 of 4 stars). 2 submissions from 2 submitters: Likely benign (2). Last evaluated 2025-08-24.

Allele frequency attached by ClinVar (database versions not stated): gnomAD exomes 0.00001 and 0.00003; ExAC 0.00002; gnomAD 0.00013 and 0.00014; TOPMed 0.00014.

Submissions (2):

Labcorp Genetics (formerly Invitae), Labcorp
Classification: Likely benign. Last evaluated: 2025-08-24. Review status: criteria provided, single submitter. Criteria: Invitae Variant Classification Sherloc (09022015). Collection method: clinical testing. Allele origin: germline.

GeneDx
Classification: Likely benign. Last evaluated: 2018-06-07. Review status: criteria provided, single submitter. Criteria: GeneDx Variant Classification (06012015). Collection method: clinical testing. Allele origin: germline. Affected: yes.
Comment: This variant is considered likely benign or benign based on one or more of the following criteria: it is a conservative change, it occurs at a poorly conserved position in the protein, it is predicted to be benign by multiple in silico algorithms, and/or has population frequency not consistent with disease.